The following is an entry in ClinVar:

ClinVar aggregate classification (germline): Pathogenic (1 of 4 stars; one submission).

Conditions:
Hereditary cancer-predisposing syndrome. Also called: Neoplastic Syndromes, Hereditary; Tumor predisposition; Hereditary Cancer Syndrome; Hereditary neoplastic syndrome. Identifiers: Orphanet 140162, MedGen C0027672, MeSH D009386, MONDO:0015356.

Submission:

Ambry Genetics
Classification: Pathogenic for Hereditary cancer-predisposing syndrome. Last evaluated: 2025-10-24. Review status: criteria provided, single submitter. Criteria: Ambry Variant Classification Scheme 2023. Collection method: clinical testing. Allele origin: germline.
Comment: The c.1154dupC pathogenic mutation, located in coding exon 9 of the CDH1 gene, results from a duplication of C at nucleotide position 1154, causing a translational frameshift with a predicted alternate stop codon (p.E386*). This variant is considered to be rare based on population cohorts in the Genome Aggregation Database (gnomAD). This alteration is expected to result in loss of function by premature protein truncation or nonsense-mediated mRNA decay. As such, this alteration is interpreted as a disease-causing mutation.

NM_004360.5(CDH1):c.1154dup (p.Pro385_Glu386insTer)

Gene: CDH1 (cadherin 1; plus strand). Cytogenetic location: 16q22.1.
Variant type: Duplication.
Coding change: c.1154dup on transcript NM_004360.5 (MANE Select); coding-DNA position 1154, one base duplicated (C; older notation c.1154dupC).
Protein change: p.Pro385_Glu386insTer.
Molecular consequence: frameshift variant. On other transcripts: 5 prime UTR variant (2), intron variant (1), nonsense (1).
Genome position (GRCh38, 1-based): chr16:68,813,329, C duplicated; the last of 2 consecutive C bases (chr16:68,813,328-68,813,329); duplicating either gives the same sequence. VCF-style (leftmost placement, unchanged base first): chr16-68813327-G-GC. GRCh37 (hg19) VCF-style: chr16-68847230-G-GC.
Other names: c.-462dup (NM_001317185.2); c.-666dup (NM_001317186.2); c.1137+1066dup (NM_001317184.2); c.1154dupC (NM_004360.3).
Identifiers: ClinVar variation 4632602 (VCV004632602.1).